The following is an entry in ClinVar:

ClinVar aggregate classification (germline): Uncertain significance (1 of 4 stars; one submission).

Submission:

Labcorp Genetics (formerly Invitae), Labcorp
Classification: Uncertain significance. Last evaluated: 2022-12-02. Review status: criteria provided, single submitter. Criteria: Invitae Variant Classification Sherloc (09022015). Collection method: clinical testing. Allele origin: germline.
Comment: This sequence change replaces tryptophan, which is neutral and slightly polar, with leucine, which is neutral and non-polar, at codon 601 of the ALOXE3 protein (p.Trp601Leu). This variant is not present in population databases (gnomAD no frequency). This variant has not been reported in the literature in individuals affected with ALOXE3-related conditions. ClinVar contains an entry for this variant (Variation ID: 1494892). Advanced modeling of protein sequence and biophysical properties (such as structural, functional, and spatial information, amino acid conservation, physicochemical variation, residue mobility, and thermodynamic stability) performed at Invitae indicates that this missense variant is not expected to disrupt ALOXE3 protein function. In summary, the available evidence is currently insufficient to determine the role of this variant in disease. Therefore, it has been classified as a Variant of Uncertain Significance.

NM_021628.3(ALOXE3):c.1802G>T (p.Trp601Leu)

Gene: ALOXE3 (arachidonate epidermal lipoxygenase 3; minus strand). Cytogenetic location: 17p13.1.
Variant type: single nucleotide variant.
Coding change: c.1802G>T on transcript NM_021628.3 (MANE Select); coding-DNA position 1802, G replaced by T.
Protein change: p.Trp601Leu; replaces tryptophan 601 with leucine.
Molecular consequence: missense variant.
Genome position (GRCh38, 1-based): chr17:8,103,477, C>A on the plus strand (G>T on the coding strand, the complement: ALOXE3 is on the minus strand). VCF-style: chr17-8103477-C-A. GRCh37 (hg19) VCF-style: chr17-8006795-C-A.
Other names: c.2198G>T, p.Trp733Leu (NM_001165960.1); c.1799G>T, p.Trp600Leu (NM_001369446.1); short protein forms W601L, W733L, W600L.
Identifiers: ClinVar variation 1494892 (VCV001494892.6), dbSNP rs1443010928, ClinGen allele CA397968117.